The following is an entry in ClinVar:

ClinVar aggregate classification (germline): Likely benign. Review status: criteria provided, multiple submitters, no conflicts (2 of 4 stars). 3 submissions from 3 submitters: Likely benign (3). Last evaluated 2025-01-01.

Conditions:
Hypertrophic cardiomyopathy 1 (CMH1). Also called: Familial hypertrophic cardiomyopathy 1; MYH7-Related Familial Hypertrophic Cardiomyopathy. Identifiers: MedGen C3495498, MONDO:0008647, OMIM 192600.

Allele frequency attached by ClinVar (database versions not stated): gnomAD 0.00001; ExAC 0.00002; TOPMed 0.00003; gnomAD exomes 0.00004; ESP Exome Variant Server 0.00008.
gnomAD v4.1: 62 of 1,614,018 alleles (0.0038%); highest among the groups gnomAD compares: Non-Finnish European, 0.0048%; no homozygotes.

Submissions (3):

Labcorp Genetics (formerly Invitae), Labcorp
Classification: Likely benign for Hypertrophic cardiomyopathy 1. Last evaluated: 2025-01-01. Review status: criteria provided, single submitter. Criteria: Invitae Variant Classification Sherloc (09022015). Collection method: clinical testing. Allele origin: germline.

Blueprint Genetics
Classification: Likely benign. Last evaluated: 2023-02-24. Review status: criteria provided, single submitter. Criteria: ACMG Guidelines, 2015. Collection method: clinical testing. Allele origin: germline.

GeneDx
Classification: Likely benign. Last evaluated: 2016-01-27. Review status: criteria provided, single submitter. Criteria: GeneDx Variant Classification (06012015). Collection method: clinical testing. Allele origin: germline. Affected: yes.
Comment: This variant is considered likely benign or benign based on one or more of the following criteria: it is a conservative change, it occurs at a poorly conserved position in the protein, it is predicted to be benign by multiple in silico algorithms, and/or has population frequency not consistent with disease.

NM_033118.4(MYLK2):c.1577+9C>T

Gene: MYLK2 (myosin light chain kinase 2; plus strand). Cytogenetic location: 20q11.21.
Variant type: single nucleotide variant.
Coding change: c.1577+9C>T on transcript NM_033118.4 (MANE Select); 9 bases into the intron after coding-DNA position 1577, C replaced by T.
Molecular consequence: intron variant.
Genome position (GRCh38, 1-based): chr20:31,831,864, C>T. VCF-style: chr20-31831864-C-T. GRCh37 (hg19) VCF-style: chr20-30419667-C-T.
Identifiers: ClinVar variation 380331 (VCV000380331.9), dbSNP rs373252847, ClinGen allele CA9803257.